The following is an entry in ClinVar:

NM_013275.6(ANKRD11):c.1187C>G (p.Thr396Arg)

Gene: ANKRD11 (ankyrin repeat domain 11; minus strand). Cytogenetic location: 16q24.3.
Variant type: single nucleotide variant.
Coding change: c.1187C>G on transcript NM_013275.6 (MANE Select); coding-DNA position 1187, C replaced by G.
Protein change: p.Thr396Arg; replaces threonine 396 with arginine.
Molecular consequence: missense variant.
Genome position (GRCh38, 1-based): chr16:89,285,355, G>C on the plus strand (C>G on the coding strand, the complement: ANKRD11 is on the minus strand). VCF-style: chr16-89285355-G-C. GRCh37 (hg19) VCF-style: chr16-89351763-G-C.
Other names: c.1187C>G, p.Thr396Arg (NM_001256182.2, NM_001256183.2); c.1187C>G (NM_013275.4); short protein forms T396R.
Identifiers: ClinVar variation 2903926 (VCV002903926.4), dbSNP rs145699896, ClinGen allele CA8242841.

ClinVar aggregate classification (germline): Uncertain significance. Review status: criteria provided, multiple submitters, no conflicts (2 of 4 stars). 2 submissions from 2 submitters: Uncertain significance (2). Last evaluated 2025-05-18.

Conditions:
KBG syndrome (KBGS). Also called: ANKRD11-Related KBG Syndrome. Identifiers: Orphanet 2332, MedGen C0220687, MONDO:0007846, OMIM 148050.
Inborn genetic diseases. Identifiers: MedGen C0950123, MeSH D030342.

gnomAD v4.1: 5 of 1,613,932 alleles (0.00031%); highest among the groups gnomAD compares: African/African-American, 0.0067%; no homozygotes.

Submissions (2):

Ambry Genetics
Classification: Uncertain significance for Inborn genetic diseases. Last evaluated: 2025-05-18. Review status: criteria provided, single submitter. Criteria: Ambry Variant Classification Scheme 2023. Collection method: clinical testing. Allele origin: germline.

Labcorp Genetics (formerly Invitae), Labcorp
Classification: Uncertain significance for KBG syndrome. Last evaluated: 2024-09-06. Review status: criteria provided, single submitter. Criteria: Invitae Variant Classification Sherloc (09022015). Collection method: clinical testing. Allele origin: germline.
Comment: This sequence change replaces threonine, which is neutral and polar, with arginine, which is basic and polar, at codon 396 of the ANKRD11 protein (p.Thr396Arg). This variant is present in population databases (rs145699896, gnomAD 0.02%). This variant has not been reported in the literature in individuals affected with ANKRD11-related conditions. Invitae Evidence Modeling of protein sequence and biophysical properties (such as structural, functional, and spatial information, amino acid conservation, physicochemical variation, residue mobility, and thermodynamic stability) indicates that this missense variant is not expected to disrupt ANKRD11 protein function with a negative predictive value of 95%. In summary, the available evidence is currently insufficient to determine the role of this variant in disease. Therefore, it has been classified as a Variant of Uncertain Significance.